The following is an entry in ClinVar:

ClinVar aggregate classification (germline): Benign/Likely benign. Review status: criteria provided, multiple submitters, no conflicts (2 of 4 stars). 3 submissions from 3 submitters: Benign (1); Likely benign (1). 1 of the submissions does not count toward it. Last evaluated 2026-01-28.

Conditions:
NBAS-related disorder. Also called: NBAS-related condition.

Allele frequency attached by ClinVar (database versions not stated): gnomAD exomes 0.00009 and 0.00035; ExAC 0.00053; 1000 Genomes Project 0.00120; gnomAD 0.00128 and 0.00136; TOPMed 0.00128; 1000 Genomes Project 30x 0.00141; ESP Exome Variant Server 0.00161.
gnomAD v4.1: 334 of 1,613,914 alleles (0.021%); highest among the groups gnomAD compares: African/African-American, 0.39%; no homozygotes.

Submissions (3):

Labcorp Genetics (formerly Invitae), Labcorp
Classification: Benign. Last evaluated: 2026-01-28. Review status: criteria provided, single submitter. Criteria: Invitae Variant Classification Sherloc (09022015). Collection method: clinical testing. Allele origin: germline.

Blueprint Genetics
Classification: Likely benign. Last evaluated: 2024-02-19. Review status: criteria provided, single submitter. Criteria: ACMG Guidelines, 2015. Collection method: clinical testing. Allele origin: germline.

PreventionGenetics, part of Exact Sciences
Classification: Likely benign for NBAS-related condition. Last evaluated: 2019-08-28. Review status: no assertion criteria provided. Collection method: clinical testing. Allele origin: germline. Not counted in ClinVar's aggregate classification.
Comment: This variant is classified as likely benign based on ACMG/AMP sequence variant interpretation guidelines (Richards et al. 2015 PMID: 25741868, with internal and published modifications).

NM_015909.4(NBAS):c.1614G>A (p.Glu538=)

Gene: NBAS (NBAS subunit of NRZ tethering complex; minus strand). Cytogenetic location: 2p24.3.
Variant type: single nucleotide variant.
Coding change: c.1614G>A on transcript NM_015909.4 (MANE Select); coding-DNA position 1614, G replaced by A.
Protein change: p.Glu538=; no amino-acid change (glutamic acid 538 retained).
Molecular consequence: synonymous variant. On other transcripts: non-coding transcript variant (1).
Genome position (GRCh38, 1-based): chr2:15,473,333, C>T on the plus strand (G>A on the coding strand, the complement: NBAS is on the minus strand). VCF-style: chr2-15473333-C-T. GRCh37 (hg19) VCF-style: chr2-15613457-C-T.
Other names: c.1614G>A (NM_015909.3).
Identifiers: ClinVar variation 1599644 (VCV001599644.11), dbSNP rs144523752, ClinGen allele CA1536608.
Genomic context (GRCh38, chr2:15,473,333, plus strand): 5'-CTGATATACAAGGTCAGTATCCAGGCCGTAGGTATGAGCCAAGGACAAGGCTTCCTCATA[C>T]TCTTCACTTTCAATCTTCAGATAAAAACACGAGGACAGGAATGTTACATGACTGAATTAT-3'
Protein context (NP_056993.2, residues 528-548): ELYQRKIESE[Glu538=]YEEALSLAHT